The following is an entry in ClinVar:

ClinVar aggregate classification (germline): Conflicting classifications of pathogenicity. Review status: criteria provided, conflicting classifications (1 of 4 stars). 5 submissions from 5 submitters: Uncertain significance (2); Benign (1); Likely benign (2). Last evaluated 2025-03-27.

Conditions:
COG8-congenital disorder of glycosylation. Also called: COG8-CDG; CDG IIh. Identifiers: Orphanet 95428, MedGen C1970021, MONDO:0012635, OMIM 611182.

Allele frequency attached by ClinVar (database versions not stated): ExAC 0.00049; ESP Exome Variant Server 0.00085; 1000 Genomes Project 30x 0.00016; 1000 Genomes Project 0.00020; gnomAD exomes 0.00026 and 0.00027; gnomAD 0.00044 and 0.00047; TOPMed 0.00045.
gnomAD v4.1: 460 of 1,596,854 alleles (0.029%); highest among the groups gnomAD compares: East Asian, 0.66%; 6 homozygotes.

Submissions (5):

Labcorp Genetics (formerly Invitae), Labcorp
Classification: Benign for COG8-congenital disorder of glycosylation. Last evaluated: 2025-03-27. Review status: criteria provided, single submitter. Criteria: Invitae Variant Classification Sherloc (09022015). Collection method: clinical testing. Allele origin: germline.

Blueprint Genetics
Classification: Likely benign. Last evaluated: 2023-12-14. Review status: criteria provided, single submitter. Criteria: ACMG Guidelines, 2015. Collection method: clinical testing. Allele origin: germline.

Illumina Laboratory Services, Illumina
Classification: Uncertain significance for COG8-congenital disorder of glycosylation. Last evaluated: 2018-01-12. Review status: criteria provided, single submitter. Criteria: ICSL Variant Classification Criteria 13 December 2019. Collection method: clinical testing. Allele origin: germline.

GeneDx
Classification: Likely benign. Last evaluated: 2017-05-22. Review status: criteria provided, single submitter. Criteria: GeneDx Variant Classification (06012015). Collection method: clinical testing. Allele origin: germline. Affected: yes.
Comment: This variant is considered likely benign or benign based on one or more of the following criteria: it is a conservative change, it occurs at a poorly conserved position in the protein, it is predicted to be benign by multiple in silico algorithms, and/or has population frequency not consistent with disease.

Eurofins Ntd Llc (ga)
Classification: Uncertain significance. Last evaluated: 2014-11-06. Review status: criteria provided, single submitter. Criteria: EGL Classification Definitions 2015. Collection method: clinical testing. Allele origin: germline. Observed: 1 variant allele, 1 heterozygote.

NM_032382.5(COG8):c.597C>T (p.Asn199=)

Gene: COG8 (component of oligomeric golgi complex 8; minus strand). Cytogenetic location: 16q22.1.
Variant type: single nucleotide variant.
Coding change: c.597C>T on transcript NM_032382.5 (MANE Select); coding-DNA position 597, C replaced by T.
Protein change: p.Asn199=; no amino-acid change (asparagine 199 retained).
Molecular consequence: synonymous variant.
Genome position (GRCh38, 1-based): chr16:69,335,337, G>A on the plus strand (C>T on the coding strand, the complement: COG8 is on the minus strand). VCF-style: chr16-69335337-G-A. GRCh37 (hg19) VCF-style: chr16-69369240-G-A.
Other names: c.597C>T, p.Asn199= (NM_001374871.1, NM_001379261.1, NM_001379262.1 and 4 more transcripts).
Identifiers: ClinVar variation 196567 (VCV000196567.19), dbSNP rs113642086, ClinGen allele CA243564.